The following is an entry in ClinVar:

ClinVar aggregate classification (germline): Uncertain significance. Review status: criteria provided, multiple submitters, no conflicts (2 of 4 stars). 3 submissions from 3 submitters: Uncertain significance (2). 1 of the submissions does not count toward it. Last evaluated 2024-12-02.

Conditions:
EYS-related disorder. Also called: EYS-related condition.

Allele frequency attached by ClinVar (database versions not stated): gnomAD exomes 0.00001; gnomAD 0.00007; TOPMed 0.00009.
gnomAD v4.1: 26 of 1,551,032 alleles (0.0017%); highest among the groups gnomAD compares: African/African-American, 0.027%; no homozygotes.

Submissions (3):

Labcorp Genetics (formerly Invitae), Labcorp
Classification: Uncertain significance. Last evaluated: 2024-12-02. Review status: criteria provided, single submitter. Criteria: Invitae Variant Classification Sherloc (09022015). Collection method: clinical testing. Allele origin: germline.
Comment: This sequence change replaces threonine, which is neutral and polar, with alanine, which is neutral and non-polar, at codon 1424 of the EYS protein (p.Thr1424Ala). This variant is present in population databases (no rsID available, gnomAD 0.02%). This missense change has been observed in individual(s) with retinitis pigmentosa (PMID: 20537394). ClinVar contains an entry for this variant (Variation ID: 1440975). Invitae Evidence Modeling of protein sequence and biophysical properties (such as structural, functional, and spatial information, amino acid conservation, physicochemical variation, residue mobility, and thermodynamic stability) indicates that this missense variant is not expected to disrupt EYS protein function with a negative predictive value of 80%. In summary, the available evidence is currently insufficient to determine the role of this variant in disease. Therefore, it has been classified as a Variant of Uncertain Significance.

Blueprint Genetics
Classification: Uncertain significance. Last evaluated: 2022-08-30. Review status: criteria provided, single submitter. Criteria: ACMG Guidelines, 2015. Collection method: clinical testing. Allele origin: germline.

PreventionGenetics, part of Exact Sciences
Classification: Uncertain significance for EYS-related condition. Last evaluated: 2024-09-05. Review status: no assertion criteria provided. Collection method: clinical testing. Allele origin: germline. Not counted in ClinVar's aggregate classification.
Comment: The EYS c.4270A>G variant is predicted to result in the amino acid substitution p.Thr1424Ala. This variant has been observed together with two other missense variants in EYS gene in a patient with retinitis pigmentosa (Table 2, Littink et al. 2010. PubMed ID: 205373940). This variant is reported in 0.024% of alleles in individuals of African descent in gnomAD. At this time, the clinical significance of this variant is uncertain due to the absence of conclusive functional and genetic evidence.

Literature cited by the submitters: PubMed 20537394 (cited by Labcorp Genetics (formerly Invitae), Labcorp).

NM_001142800.2(EYS):c.4270A>G (p.Thr1424Ala)

Gene: EYS (EGF-like photoreceptor maintenance factor; minus strand). Cytogenetic location: 6q12.
Variant type: single nucleotide variant.
Coding change: c.4270A>G on transcript NM_001142800.2 (MANE Select); coding-DNA position 4270, A replaced by G.
Protein change: p.Thr1424Ala; replaces threonine 1424 with alanine.
Molecular consequence: missense variant.
Genome position (GRCh38, 1-based): chr6:64,591,597, T>C on the plus strand (A>G on the coding strand, the complement: EYS is on the minus strand). VCF-style: chr6-64591597-T-C. GRCh37 (hg19) VCF-style: chr6-65301490-T-C.
Other names: c.4270A>G, p.Thr1424Ala (NM_001292009.2); c.4270A>G (NM_001142800.1); short protein forms T1424A.
Identifiers: ClinVar variation 1440975 (VCV001440975.9), dbSNP rs1045167208, ClinGen allele CA140340960.